The following is an entry in ClinVar:

NM_020831.6(MRTFA):c.1788C>G (p.Ile596Met)

Gene: MRTFA (myocardin related transcription factor A; minus strand). Cytogenetic location: 22q13.1.
Variant type: single nucleotide variant.
Coding change: c.1788C>G on transcript NM_020831.6 (MANE Select); coding-DNA position 1788, C replaced by G.
Protein change: p.Ile596Met; replaces isoleucine 596 with methionine.
Molecular consequence: missense variant.
Genome position (GRCh38, 1-based): chr22:40,418,950, G>C on the plus strand (C>G on the coding strand, the complement: MRTFA is on the minus strand). VCF-style: chr22-40418950-G-C. GRCh37 (hg19) VCF-style: chr22-40814954-G-C.
Other names: c.1488C>G, p.Ile496Met (NM_001282660.2); c.1638C>G, p.Ile546Met (NM_001282661.3); c.1788C>G, p.Ile596Met (NM_001282662.3); c.1593C>G, p.Ile531Met (NM_001318139.2); short protein forms I596M, I496M, I546M, I531M.
Identifiers: ClinVar variation 1920671 (VCV001920671.5), dbSNP rs375645080, ClinGen allele CA10249554.

ClinVar aggregate classification (germline): Uncertain significance (1 of 4 stars; one submission).

Allele frequency attached by ClinVar (database versions not stated): TOPMed 0.00001; gnomAD 0.00002; ExAC 0.00003; gnomAD exomes 0.00003; ESP Exome Variant Server 0.00008.
gnomAD v4.1: 53 of 1,612,780 alleles (0.0033%); highest among the groups gnomAD compares: Middle Eastern, 0.016%; no homozygotes.

Submission:

Labcorp Genetics (formerly Invitae), Labcorp
Classification: Uncertain significance. Last evaluated: 2025-10-08. Review status: criteria provided, single submitter. Criteria: Invitae Variant Classification Sherloc (09022015). Collection method: clinical testing. Allele origin: germline.
Comment: This sequence change replaces isoleucine, which is neutral and non-polar, with methionine, which is neutral and non-polar, at codon 496 of the MKL1 protein (p.Ile496Met). This variant is present in population databases (rs375645080, gnomAD 0.004%). This variant has not been reported in the literature in individuals affected with MKL1-related conditions. ClinVar contains an entry for this variant (Variation ID: 1920671). An algorithm developed to predict the effect of missense changes on protein structure and function (PolyPhen-2) suggests that this variant is likely to be tolerated. In summary, the available evidence is currently insufficient to determine the role of this variant in disease. Therefore, it has been classified as a Variant of Uncertain Significance.